The following is an entry in ClinVar:

NM_003743.5(NCOA1):c.1292A>C (p.His431Pro)

Gene: NCOA1 (nuclear receptor coactivator 1; plus strand). Cytogenetic location: 2p23.3.
Variant type: single nucleotide variant.
Coding change: c.1292A>C on transcript NM_003743.5 (MANE Select); coding-DNA position 1292, A replaced by C.
Protein change: p.His431Pro; replaces histidine 431 with proline.
Molecular consequence: missense variant.
Genome position (GRCh38, 1-based): chr2:24,706,762, A>C. VCF-style: chr2-24706762-A-C. GRCh37 (hg19) VCF-style: chr2-24929631-A-C.
Other names: c.1292A>C, p.His431Pro (NM_001362950.1, NM_001362952.1, NM_001362954.1 and 3 more transcripts); short protein forms H431P.
Identifiers: ClinVar variation 3358279 (VCV003358279.2).

ClinVar aggregate classification (germline): Uncertain significance (1 of 4 stars; one submission).

Conditions:
NCOA1-related disorder. Also called: NCOA1-related condition.

gnomAD v4.1: 2 of 1,614,096 alleles (0.00012%); highest among the groups gnomAD compares: Admixed American, 0.0017%; no homozygotes.

Submission:

PreventionGenetics, part of Exact Sciences
Classification: Uncertain significance for NCOA1-related condition. Last evaluated: 2026-01-20. Review status: criteria provided, single submitter. Criteria: ACMG Guidelines, 2015. Collection method: clinical testing. Allele origin: germline.
Comment: The NCOA1 c.1292A>C variant is predicted to result in the amino acid substitution p.His431Pro. To our knowledge, this variant has not been reported in the literature. This variant is reported in 0.0029% of alleles in individuals of Latino descent in gnomAD. At this time, the clinical significance of this variant is uncertain due to the absence of conclusive functional and genetic evidence.